The following is an entry in ClinVar:

NM_005529.7(HSPG2):c.10721-2dup

Gene: HSPG2 (heparan sulfate proteoglycan 2; minus strand). Cytogenetic location: 1p36.12.
Variant type: Duplication.
Coding change: c.10721-2dup on transcript NM_005529.7 (MANE Select); the canonical splice acceptor site of the intron before coding-DNA position 10721, one base duplicated (A; older notation c.10721-2dupA).
Molecular consequence: splice acceptor variant.
Genome position (GRCh38, 1-based): chr1:21,833,927, T duplicated on the plus strand (A on the coding strand, the reverse complement: HSPG2 is on the minus strand). VCF-style (leftmost placement, unchanged base first): chr1-21833926-C-CT. GRCh37 (hg19) VCF-style: chr1-22160419-C-CT.
Other names: c.10721-2dupA (NM_005529.7); c.10724-2dup (NM_001291860.2).
Identifiers: ClinVar variation 1559711 (VCV001559711.9), dbSNP rs546706122, ClinGen allele CA670030.

ClinVar aggregate classification (germline): Benign/Likely benign. Review status: criteria provided, multiple submitters, no conflicts (2 of 4 stars). 2 submissions from 2 submitters: Benign (1); Likely benign (1). Last evaluated 2025-12-29.

Allele frequency attached by ClinVar (database versions not stated): gnomAD 0.00003 and 0.00016; TOPMed 0.00004; gnomAD exomes 0.00021 and 0.00044; 1000 Genomes Project 0.00060; 1000 Genomes Project 30x 0.00062; ExAC 0.00093.

Submissions (2):

Women's Health and Genetics/Laboratory Corporation of America, LabCorp
Classification: Benign. Last evaluated: 2025-12-29. Review status: criteria provided, single submitter. Criteria: LabCorp Variant Classification Summary - May 2015. Collection method: clinical testing. Allele origin: germline.
Comment: Variant summary: HSPG2 c.10721-2dupA alters a conserved nucleotide located close to a canonical splice site and therefore could affect mRNA splicing, leading to a significantly altered protein sequence. Several computational tools predict a significant impact on normal splicing: Two predict the variant abolishes a 3' acceptor site. Two predict the variant weakens a 3' acceptor site. One predicts the variant no significant impact on splicing. However, these predictions have yet to be confirmed by functional studies. The variant allele was found at a frequency of 0.00044 in 192140 control chromosomes, predominantly at a frequency of 0.003 within the South Asian subpopulation in the gnomAD database, including 1 homozygote. The observed variant frequency within South Asian control individuals in the gnomAD database exceeds the estimated maximal expected allele frequency for disease-causing variants in HSPG2. To our knowledge, no occurrence of c.10721-2dupA in individuals affected with HSPG2-related conditions and no experimental evidence demonstrating its impact on protein function have been reported. The following publications have been ascertained in the context of this evaluation (PMID: 34244600, 30167850). ClinVar contains an entry for this variant (Variation ID: 1559711). Based on the evidence outlined above, the variant was classified as benign.

Labcorp Genetics (formerly Invitae), Labcorp
Classification: Likely benign. Last evaluated: 2025-12-06. Review status: criteria provided, single submitter. Criteria: Invitae Variant Classification Sherloc (09022015). Collection method: clinical testing. Allele origin: germline.

Literature cited by the submitters: PubMed 34244600 (cited by Women's Health and Genetics/Laboratory Corporation of America, LabCorp); PubMed 30167850 (cited by Women's Health and Genetics/Laboratory Corporation of America, LabCorp).